The following is an entry in ClinVar:

NM_198994.3(TGM6):c.1919C>T (p.Ala640Val)

Gene: TGM6 (transglutaminase 6; plus strand). Cytogenetic location: 20p13.
Variant type: single nucleotide variant.
Coding change: c.1919C>T on transcript NM_198994.3 (MANE Select); coding-DNA position 1919, C replaced by T.
Protein change: p.Ala640Val; replaces alanine 640 with valine.
Molecular consequence: missense variant. On other transcripts: intron variant (1).
Genome position (GRCh38, 1-based): chr20:2,430,979, C>T. VCF-style: chr20-2430979-C-T. GRCh37 (hg19) VCF-style: chr20-2411625-C-T.
Other names: c.1833+379C>T (NM_001254734.2); short protein forms A640V.
Identifiers: ClinVar variation 3571515 (VCV003571515.3).
Genomic context (GRCh38, chr20:2,430,979, plus strand): 5'-TGGCAGTTACAGTGGAAGTGACAGTAGTCAACCCCCTCATAGAGAGAGTGAAGGACTGTG[C>T]GCTGATGGTGGAGGGCAGCGGCCTTCTCCAGGAACAGCTCAGCATCGAGTAAGTGCCAGC-3'
Protein context (NP_945345.2, residues 630-650): NPLIERVKDC[Ala640Val]LMVEGSGLLQ

ClinVar aggregate classification (germline): Likely benign. Review status: criteria provided, multiple submitters, no conflicts (2 of 4 stars). 3 submissions from 3 submitters: Likely benign (3). Last evaluated 2026-07-01.

Conditions:
Inborn genetic diseases. Identifiers: MedGen C0950123, MeSH D030342.

gnomAD v4.1: 39 of 1,613,954 alleles (0.0024%); highest among the groups gnomAD compares: South Asian, 0.014%; no homozygotes.

Submissions (3):

CeGaT Center for Human Genetics Tuebingen
Classification: Likely benign. Last evaluated: 2026-07-01. Review status: criteria provided, single submitter. Criteria: CeGaT Center For Human Genetics Tuebingen Variant Classification Criteria Version 2. Collection method: clinical testing. Allele origin: germline. Affected: yes. Observed: 1 variant allele.
Comment: TGM6: BP4

Ambry Genetics
Classification: Likely benign for Inborn genetic diseases. Last evaluated: 2025-11-19. Review status: criteria provided, single submitter. Criteria: Ambry Variant Classification Scheme 2023. Collection method: clinical testing. Allele origin: germline.

Athena Diagnostics
Classification: Likely benign. Last evaluated: 2024-01-12. Review status: criteria provided, single submitter. Criteria: Athena Diagnostics Criteria. Collection method: clinical testing. Allele origin: unknown.